The following is an entry in ClinVar:

NM_002485.5(NBN):c.2080C>G (p.Pro694Ala)

Gene: NBN (nibrin; minus strand). Cytogenetic location: 8q21.3.
Variant type: single nucleotide variant.
Coding change: c.2080C>G on transcript NM_002485.5 (MANE Select); coding-DNA position 2080, C replaced by G.
Protein change: p.Pro694Ala; replaces proline 694 with alanine.
Molecular consequence: missense variant.
Genome position (GRCh38, 1-based): chr8:89,943,357, G>C on the plus strand (C>G on the coding strand, the complement: NBN is on the minus strand). VCF-style: chr8-89943357-G-C. GRCh37 (hg19) VCF-style: chr8-90955585-G-C.
Other names: c.1834C>G, p.Pro612Ala (NM_001024688.3); short protein forms P612A, P694A.
Identifiers: ClinVar variation 3877907 (VCV003877907.1).

ClinVar aggregate classification (germline): Uncertain significance (1 of 4 stars; one submission).

Conditions:
Hereditary cancer-predisposing syndrome. Also called: Tumor predisposition; Neoplastic Syndromes, Hereditary; Hereditary Cancer Syndrome; Hereditary neoplastic syndrome. Identifiers: Orphanet 140162, MedGen C0027672, MeSH D009386, MONDO:0015356.

Submission:

Ambry Genetics
Classification: Uncertain significance for Hereditary cancer-predisposing syndrome. Last evaluated: 2025-03-05. Review status: criteria provided, single submitter. Criteria: Ambry Variant Classification Scheme 2023. Collection method: clinical testing. Allele origin: germline.
Comment: The p.P694A variant (also known as c.2080C>G), located in coding exon 14 of the NBN gene, results from a C to G substitution at nucleotide position 2080. The proline at codon 694 is replaced by alanine, an amino acid with highly similar properties. This amino acid position is conserved. In addition, this alteration is predicted to be tolerated by in silico analysis. Based on the available evidence, the clinical significance of this variant remains unclear.